The following is an entry in ClinVar:

NM_177438.3(DICER1):c.695G>A (p.Ser232Asn)

Gene: DICER1 (dicer 1, ribonuclease III; minus strand). Cytogenetic location: 14q32.13.
Variant type: single nucleotide variant.
Coding change: c.695G>A on transcript NM_177438.3 (MANE Select); coding-DNA position 695, G replaced by A.
Protein change: p.Ser232Asn; replaces serine 232 with asparagine.
Molecular consequence: missense variant.
Genome position (GRCh38, 1-based): chr14:95,129,511, C>T on the plus strand (G>A on the coding strand, the complement: DICER1 is on the minus strand). VCF-style: chr14-95129511-C-T. GRCh37 (hg19) VCF-style: chr14-95595848-C-T.
Other names: c.695G>A, p.Ser232Asn (NM_001195573.1, NM_001271282.3, NM_001291628.2 and 1 more transcripts); short protein forms S232N.
Identifiers: ClinVar variation 826726 (VCV000826726.4), dbSNP rs1595456779, ClinGen allele CA390888041.

ClinVar aggregate classification (germline): Uncertain significance (1 of 4 stars; one submission).

Conditions:
Hereditary cancer-predisposing syndrome. Also called: Neoplastic Syndromes, Hereditary; Tumor predisposition; Hereditary neoplastic syndrome; Hereditary Cancer Syndrome. Identifiers: Orphanet 140162, MedGen C0027672, MeSH D009386, MONDO:0015356.

Submission:

Ambry Genetics
Classification: Uncertain significance for Hereditary cancer-predisposing syndrome. Last evaluated: 2019-06-12. Review status: criteria provided, single submitter. Criteria: Ambry Variant Classification Scheme 2023. Collection method: clinical testing. Allele origin: germline.
Comment: The p.S232N variant (also known as c.695G>A), located in coding exon 5 of the DICER1 gene, results from a G to A substitution at nucleotide position 695. The serine at codon 232 is replaced by asparagine, an amino acid with highly similar properties. This amino acid position is highly conserved in available vertebrate species. In addition, this alteration is predicted to be tolerated by in silico analysis. Since supporting evidence is limited at this time, the clinical significance of this alteration remains unclear.